The following is an entry in ClinVar:

ClinVar aggregate classification (germline): Uncertain significance (1 of 4 stars; one submission).

Conditions:
Vici syndrome (VICIS). Identifiers: Orphanet 1493, MedGen C1855772, MONDO:0009452, OMIM 242840.

gnomAD v4.1: 11 of 1,614,068 alleles (0.00068%); highest among the groups gnomAD compares: Non-Finnish European, 0.00085%; no homozygotes.

Submission:

Labcorp Genetics (formerly Invitae), Labcorp
Classification: Uncertain significance for Vici syndrome. Last evaluated: 2024-10-29. Review status: criteria provided, single submitter. Criteria: Invitae Variant Classification Sherloc (09022015). Collection method: clinical testing. Allele origin: germline.
Comment: This sequence change replaces isoleucine, which is neutral and non-polar, with valine, which is neutral and non-polar, at codon 2250 of the EPG5 protein (p.Ile2250Val). This variant is not present in population databases (gnomAD no frequency). This variant has not been reported in the literature in individuals affected with EPG5-related conditions. Invitae Evidence Modeling of protein sequence and biophysical properties (such as structural, functional, and spatial information, amino acid conservation, physicochemical variation, residue mobility, and thermodynamic stability) indicates that this missense variant is not expected to disrupt EPG5 protein function with a negative predictive value of 80%. In summary, the available evidence is currently insufficient to determine the role of this variant in disease. Therefore, it has been classified as a Variant of Uncertain Significance.

NM_020964.3(EPG5):c.6748A>G (p.Ile2250Val)

Gene: EPG5 (ectopic P-granules 5 autophagy tethering factor; minus strand). Cytogenetic location: 18q12.3.
Variant type: single nucleotide variant.
Coding change: c.6748A>G on transcript NM_020964.3 (MANE Select); coding-DNA position 6748, A replaced by G.
Protein change: p.Ile2250Val; replaces isoleucine 2250 with valine.
Molecular consequence: missense variant.
Genome position (GRCh38, 1-based): chr18:45,865,633, T>C on the plus strand (A>G on the coding strand, the complement: EPG5 is on the minus strand). VCF-style: chr18-45865633-T-C. GRCh37 (hg19) VCF-style: chr18-43445598-T-C.
Other names: c.6748A>G, p.Ile2250Val (NM_001410858.1); c.6745A>G, p.Ile2249Val (NM_001410859.1); short protein forms I2249V, I2250V.
Identifiers: ClinVar variation 3626123 (VCV003626123.2).
Genomic context (GRCh38, chr18:45,865,633, plus strand): 5'-GCATTGACTGAATGAATACAGGACTTCCGACTGGTCACTTACCGGGCGGGTTAAAGACAA[T>C]GATATCGTCTAAGAGCTTAGACATTTCCTGTTCTAGGACTGCTAAGGTGATTTTTCCATT-3'
Protein context (NP_066015.2, residues 2240-2260): QEMSKLLDDI[Ile2250Val]VFNPPDMDSQ